The following is an entry in ClinVar:

ClinVar aggregate classification (germline): Likely pathogenic (1 of 4 stars; one submission).

Conditions:
Dilated cardiomyopathy 1G (CMD1G). Identifiers: Orphanet 154, MedGen C1858763, MONDO:0011400, OMIM 604145.
Autosomal recessive limb-girdle muscular dystrophy type 2J (LGMDR10). Also called: Limb-girdle muscular dystrophy, type 2J; MUSCULAR DYSTROPHY, LIMB-GIRDLE, AUTOSOMAL RECESSIVE 10. Identifiers: Orphanet 140922, MedGen C1837342, MONDO:0012127, OMIM 608807.

Submission:

Labcorp Genetics (formerly Invitae), Labcorp
Classification: Likely pathogenic for Dilated cardiomyopathy 1G; Autosomal recessive limb-girdle muscular dystrophy type 2J. Last evaluated: 2022-12-20. Review status: criteria provided, single submitter. Criteria: Invitae Variant Classification Sherloc (09022015). Collection method: clinical testing. Allele origin: germline.
Comment: In summary, the currently available evidence indicates that the variant is pathogenic, but additional data are needed to prove that conclusively. Therefore, this variant has been classified as Likely Pathogenic. This variant is located in the A band of TTN (PMID: 25589632). Truncating variants in this region are significantly overrepresented in patients affected with dilated cardiomyopathy (PMID: 25589632). Truncating variants in this region have also been reported in individuals affected with autosomal recessive centronuclear myopathy (PMID: 23975875). ClinVar contains an entry for this variant (Variation ID: 643207). This variant has not been reported in the literature in individuals affected with TTN-related conditions. This variant is not present in population databases (gnomAD no frequency). This sequence change creates a premature translational stop signal (p.Arg23679Leufs*12) in the TTN gene. While this is not anticipated to result in nonsense mediated decay, it is expected to create a truncated TTN protein.

Literature cited by the submitters: PubMed 25589632; PubMed 23975875.

NM_001267550.2(TTN):c.71035_71038del (p.Arg23679fs)

Genes: TTN (titin; minus strand), TTN-AS1 (TTN antisense RNA 1; plus strand). Cytogenetic location: 2q31.2.
Variant type: Microsatellite.
Coding change: c.71035_71038del on transcript NM_001267550.2 (MANE Select); coding-DNA positions 71035 to 71038, 4 bases deleted (AGAG; older notation c.71035_71038delAGAG).
Protein change: p.Arg23679fs; shifts the reading frame from arginine 23679.
Molecular consequence: frameshift variant.
Genome position (GRCh38, 1-based): chr2:178,575,094-178,575,097, CTCT deleted on the plus strand (AGAG on the coding strand, the reverse complement: TTN is on the minus strand); deleting any 4 consecutive bases within chr2:178,575,094-178,575,099 gives the same sequence; the c. name uses the placement nearest the transcript's 3' end. VCF-style (leftmost placement, unchanged base first): chr2-178575093-ACTCT-A. GRCh37 (hg19) VCF-style: chr2-179439820-ACTCT-A.
Other names: c.43840_43843del, p.Arg14614fs (NM_003319.4); c.63331_63334del, p.Arg21111fs (NM_133378.4); c.44215_44218del, p.Arg14739fs (NM_133432.3); c.66112_66115del, p.Arg22038fs (NM_001256850.1); c.44416_44419del, p.Arg14806fs (NM_133437.4); c.71035_71038delAGAG (NM_001267550.2); short protein forms R21111fs, R14806fs, R22038fs, R14614fs, R14739fs, R23679fs.
Identifiers: ClinVar variation 643207 (VCV000643207.11), dbSNP rs1575797171, ClinGen allele CA915942154.